The following is an entry in ClinVar:

NM_004782.4(SNAP29):c.*1129T>C

Gene: SNAP29 (synaptosome associated protein 29; plus strand). Cytogenetic location: 22q11.21.
Variant type: single nucleotide variant.
Coding change: c.*1129T>C on transcript NM_004782.4 (MANE Select); 1129 bases downstream of the stop codon, T replaced by C.
Molecular consequence: 3 prime UTR variant.
Genome position (GRCh38, 1-based): chr22:20,888,965, T>C. VCF-style: chr22-20888965-T-C. GRCh37 (hg19) VCF-style: chr22-21243253-T-C.
Identifiers: ClinVar variation 340861 (VCV000340861.6), dbSNP rs165801, ClinGen allele CA10653885.

ClinVar aggregate classification (germline): Benign. Review status: criteria provided, multiple submitters, no conflicts (2 of 4 stars). 2 submissions from 2 submitters: Benign (2). Last evaluated 2018-01-13.

Conditions:
CEDNIK syndrome. Also called: CEREBRAL DYSGENESIS, NEUROPATHY, ICHTHYOSIS, AND PALMOPLANTAR KERATODERMA SYNDROME; Cerebral dysgenesis, neuropathy, ichthyosis, and palmoplantar keratoderma. Identifiers: Orphanet 66631, MedGen C1836033, MONDO:0012290, OMIM 609528.

Allele frequency attached by ClinVar (database versions not stated): gnomAD 0.38447 and 0.38697; TOPMed 0.41182; 1000 Genomes Project 0.42612; 1000 Genomes Project 30x 0.43098.

Submissions (2):

Illumina Laboratory Services, Illumina
Classification: Benign for CEDNIK syndrome. Last evaluated: 2018-01-13. Review status: criteria provided, single submitter. Criteria: ICSL Variant Classification Criteria 13 December 2019. Collection method: clinical testing. Allele origin: germline.
Comment: This variant was observed in the ICSL laboratory as part of a predisposition screen in an ostensibly healthy population. It had not been previously curated by ICSL or reported in the Human Gene Mutation Database (HGMD: prior to June 1st, 2018), and was therefore a candidate for classification through an automated scoring system. Utilizing variant allele frequency, disease prevalence and penetrance estimates, and inheritance mode, an automated score was calculated to assess if this variant is too frequent to cause the disease. Based on the score and internal cut-off values, a variant classified as benign is not then subjected to further curation. The score for this variant resulted in a classification of benign for this disease.

Breakthrough Genomics
Classification: Benign. Review status: criteria provided, single submitter. Criteria: ACMG Guidelines, 2015. Collection method: not provided. Allele origin: germline. Inheritance: Autosomal recessive inheritance. Affected: yes.